The following is an entry in ClinVar:

NM_032608.7(MYO18B):c.7619G>A (p.Arg2540Gln)

Gene: MYO18B (myosin XVIIIB; plus strand). Cytogenetic location: 22q12.1.
Variant type: single nucleotide variant.
Coding change: c.7619G>A on transcript NM_032608.7 (MANE Select); coding-DNA position 7619, G replaced by A.
Protein change: p.Arg2540Gln; replaces arginine 2540 with glutamine.
Molecular consequence: missense variant.
Genome position (GRCh38, 1-based): chr22:26,027,593, G>A. VCF-style: chr22-26027593-G-A. GRCh37 (hg19) VCF-style: chr22-26423559-G-A.
Other names: c.7622G>A, p.Arg2541Gln (NM_001318245.2); c.7619G>A (NM_032608.5); short protein forms R2540Q, R2541Q.
Identifiers: ClinVar variation 2142210 (VCV002142210.5), dbSNP rs749740047, ClinGen allele CA10161826.

ClinVar aggregate classification (germline): Uncertain significance. Review status: criteria provided, multiple submitters, no conflicts (2 of 4 stars). 2 submissions from 2 submitters: Uncertain significance (2). Last evaluated 2026-01-06.

Conditions:
Inborn genetic diseases. Identifiers: MedGen C0950123, MeSH D030342.

Allele frequency attached by ClinVar (database versions not stated): gnomAD exomes 0.00002; gnomAD 0.00003; TOPMed 0.00007.
gnomAD v4.1: 33 of 1,613,856 alleles (0.002%); highest among the groups gnomAD compares: South Asian, 0.011%; no homozygotes.

Submissions (2):

Labcorp Genetics (formerly Invitae), Labcorp
Classification: Uncertain significance. Last evaluated: 2026-01-06. Review status: criteria provided, single submitter. Criteria: Invitae Variant Classification Sherloc (09022015). Collection method: clinical testing. Allele origin: germline.
Comment: This sequence change replaces arginine, which is basic and polar, with glutamine, which is neutral and polar, at codon 2540 of the MYO18B protein (p.Arg2540Gln). This variant is present in population databases (rs749740047, gnomAD 0.01%). This variant has not been reported in the literature in individuals affected with MYO18B-related conditions. ClinVar contains an entry for this variant (Variation ID: 2142210). An algorithm developed to predict the effect of missense changes on protein structure and function outputs the following: PolyPhen-2: "Benign". The glutamine amino acid residue is found in multiple mammalian species, which suggests that this missense change does not adversely affect protein function. In summary, the available evidence is currently insufficient to determine the role of this variant in disease. Therefore, it has been classified as a Variant of Uncertain Significance.

Ambry Genetics
Classification: Uncertain significance for Inborn genetic diseases. Last evaluated: 2025-06-04. Review status: criteria provided, single submitter. Criteria: Ambry Variant Classification Scheme 2023. Collection method: clinical testing. Allele origin: germline.